The following is an entry in ClinVar:

NM_001733.7(C1R):c.487C>T (p.His163Tyr)

Gene: C1R (complement C1r; minus strand). Cytogenetic location: 12p13.31.
Variant type: single nucleotide variant.
Coding change: c.487C>T on transcript NM_001733.7 (MANE Select); coding-DNA position 487, C replaced by T.
Protein change: p.His163Tyr; replaces histidine 163 with tyrosine.
Molecular consequence: missense variant.
Genome position (GRCh38, 1-based): chr12:7,089,671, G>A on the plus strand (C>T on the coding strand, the complement: C1R is on the minus strand). VCF-style: chr12-7089671-G-A. GRCh37 (hg19) VCF-style: chr12-7242267-G-A.
Other names: c.529C>T, p.His177Tyr (NM_001354346.2); short protein forms H163Y, H177Y.
Identifiers: ClinVar variation 3039910 (VCV003039910.3), dbSNP rs144141261, ClinGen allele CA6424224.

ClinVar aggregate classification (germline): Likely benign. Review status: criteria provided, single submitter (1 of 4 stars). 2 submissions from 2 submitters: Likely benign (1). 1 of the submissions does not count toward it. Last evaluated 2026-04-21.

Conditions:
C1R-related disorder. Also called: C1R-related condition.

Allele frequency attached by ClinVar (database versions not stated): gnomAD exomes 0.00018; TOPMed 0.00023; gnomAD 0.00025; ExAC 0.00048; 1000 Genomes Project 30x 0.00187; 1000 Genomes Project 0.00200.

Submissions (2):

Women's Health and Genetics/Laboratory Corporation of America, LabCorp
Classification: Likely benign. Last evaluated: 2026-04-21. Review status: criteria provided, single submitter. Criteria: LabCorp Variant Classification Summary - May 2015. Collection method: clinical testing. Allele origin: germline.

PreventionGenetics, part of Exact Sciences
Classification: Likely benign for C1R-related condition. Last evaluated: 2019-09-17. Review status: no assertion criteria provided. Collection method: clinical testing. Allele origin: germline. Not counted in ClinVar's aggregate classification.
Comment: This variant is classified as likely benign based on ACMG/AMP sequence variant interpretation guidelines (Richards et al. 2015 PMID: 25741868, with internal and published modifications).